The following is an entry in ClinVar:

ClinVar aggregate classification (germline): Uncertain significance (1 of 4 stars; one submission).

Allele frequency attached by ClinVar (database versions not stated): ExAC 0.00001; gnomAD 0.00002; TOPMed 0.00002.
gnomAD v4.1: 12 of 1,613,830 alleles (0.00074%); highest among the groups gnomAD compares: Admixed American, 0.0033%; no homozygotes.

Submission:

GeneDx
Classification: Uncertain significance. Last evaluated: 2022-12-05. Review status: criteria provided, single submitter. Criteria: GeneDx Variant Classification Process June 2021. Collection method: clinical testing. Allele origin: germline. Affected: yes.
Comment: In silico analysis supports a deleterious effect on splicing; Has not been previously published as pathogenic or benign to our knowledge

NM_001289104.2(PRKCSH):c.350+5G>A

Gene: PRKCSH (PRKCSH beta subunit of glucosidase II; plus strand). Cytogenetic location: 19p13.2.
Variant type: single nucleotide variant.
Coding change: c.350+5G>A on transcript NM_001289104.2 (MANE Select); 5 bases into the intron after coding-DNA position 350, G replaced by A.
Molecular consequence: intron variant.
Genome position (GRCh38, 1-based): chr19:11,438,129, G>A. VCF-style: chr19-11438129-G-A. GRCh37 (hg19) VCF-style: chr19-11548950-G-A.
Other names: c.350+5G>A (NM_001289103.2, NM_001379609.1, NM_001379608.1 and 3 more transcripts).
Identifiers: ClinVar variation 2504413 (VCV002504413.1), dbSNP rs776154355, ClinGen allele CA9212795.
Genomic context (GRCh38, chr19:11,438,129, plus strand): 5'-TGCTGCGATGGAACAGACGAGTACAACAGCGGCGTCATCTGTGAGAACACCTGCAAGTAC[G>A]TGGGTGACAGTACCCCTCCCATCACCCCACCCCAAGACTTTGCCTGGCTCCACCCAGTGA-3'